The following is an entry in ClinVar:

ClinVar aggregate classification (germline): Uncertain significance (1 of 4 stars; one submission).

Submission:

Labcorp Genetics (formerly Invitae), Labcorp
Classification: Uncertain significance. Last evaluated: 2022-09-12. Review status: criteria provided, single submitter. Criteria: Invitae Variant Classification Sherloc (09022015). Collection method: clinical testing. Allele origin: germline.
Comment: This variant has not been reported in the literature in individuals affected with DHX32-related conditions. In summary, the available evidence is currently insufficient to determine the role of this variant in disease. Therefore, it has been classified as a Variant of Uncertain Significance. Experimental studies and prediction algorithms are not available or were not evaluated, and the functional significance of this variant is currently unknown. This variant is present in population databases (no rsID available, gnomAD 0.01%). This variant, c.1440_1442del, results in the deletion of 1 amino acid(s) of the DHX32 protein (p.Ile480del), but otherwise preserves the integrity of the reading frame.

NM_018180.3(DHX32):c.1437CAT[1] (p.Ile480del)

Genes: BCCIP (BRCA2 and CDKN1A interacting protein; plus strand), DHX32 (DEAH-box helicase 32 (putative); minus strand). Cytogenetic location: 10q26.2.
Variant type: Microsatellite.
Coding change: c.1437CAT[1] on transcript NM_018180.3 (MANE Select); one copy of the 3-base unit CAT starting at c.1437; the reference has two copies in a row; one copy, 3 bases deleted.
Protein change: p.Ile480del; deletes isoleucine 480.
Molecular consequence: inframe deletion. On other transcripts: 3 prime UTR variant (1), intron variant (1).
Genome position (GRCh38, 1-based): chr10:125,841,844-125,841,846, ATG deleted on the plus strand (CAT on the coding strand, the reverse complement: DHX32 is on the minus strand); deleting any 3 consecutive bases within chr10:125,841,844-125,841,851 gives the same sequence; the position shown is the placement nearest the transcript's 3' end. VCF-style (leftmost placement, unchanged base first): chr10-125841843-CATG-C. GRCh37 (hg19) VCF-style: chr10-127530412-CATG-C.
Other names: c.*487GAT[1] (NM_078469.3); c.850+519_850+521del (NM_016567.4); short protein forms I480del.
Identifiers: ClinVar variation 2072647 (VCV002072647.3), dbSNP rs1396802014, ClinGen allele CA596892633.